The following is an entry in ClinVar:

NM_005918.4(MDH2):c.457G>C (p.Glu153Gln)

Gene: MDH2 (malate dehydrogenase 2; plus strand). Cytogenetic location: 7q11.23.
Variant type: single nucleotide variant.
Coding change: c.457G>C on transcript NM_005918.4 (MANE Select); coding-DNA position 457, G replaced by C.
Protein change: p.Glu153Gln; replaces glutamic acid 153 with glutamine.
Molecular consequence: missense variant. On other transcripts: intron variant (1).
Genome position (GRCh38, 1-based): chr7:76,060,400, G>C. VCF-style: chr7-76060400-G-C. GRCh37 (hg19) VCF-style: chr7-75689718-G-C.
Other names: c.136G>C, p.Glu46Gln (NM_001282404.2); c.429+2322G>C (NM_001282403.2); short protein forms E46Q, E153Q.
Identifiers: ClinVar variation 1354561 (VCV001354561.8), dbSNP rs2116684468, ClinGen allele CA367764807.

ClinVar aggregate classification (germline): Uncertain significance (1 of 4 stars; one submission).

Submission:

Labcorp Genetics (formerly Invitae), Labcorp
Classification: Uncertain significance. Last evaluated: 2021-05-18. Review status: criteria provided, single submitter. Criteria: Invitae Variant Classification Sherloc (09022015). Collection method: clinical testing. Allele origin: germline.
Comment: This sequence change replaces glutamic acid with glutamine at codon 153 of the MDH2 protein (p.Glu153Gln). The glutamic acid residue is highly conserved and there is a small physicochemical difference between glutamic acid and glutamine. In summary, the available evidence is currently insufficient to determine the role of this variant in disease. Therefore, it has been classified as a Variant of Uncertain Significance. Algorithms developed to predict the effect of missense changes on protein structure and function (SIFT, PolyPhen-2, Align-GVGD) all suggest that this variant is likely to be disruptive, but these predictions have not been confirmed by published functional studies and their clinical significance is uncertain. This variant has not been reported in the literature in individuals with MDH2-related conditions. This variant is not present in population databases (ExAC no frequency).